The following is an entry in ClinVar:

ClinVar aggregate classification (germline): Likely pathogenic (1 of 4 stars; one submission).

Conditions:
Beckwith-Wiedemann syndrome (BWS). Also called: Exomphalos macroglossia gigantism syndrome; EMG SYNDROME. Identifiers: Orphanet 116, MedGen C0004903, MONDO:0007534, OMIM 130650.

Submission:

Molecular Genetics Department, Kulakov National Medical Research Center for Obstetrics, Gynecology and Perinatology
Classification: Likely pathogenic for Beckwith-Wiedemann syndrome. Review status: criteria provided, single submitter. Criteria: ACMG Guidelines, 2015. Collection method: clinical testing. Allele origin: germline. Affected: yes.
Comment: A previously undescribed nucleotide variant creates a frameshift p.Arg7ValfsTer7 in the CDKN1C gene. Loss-of-function variants are reported in patients with Beckwith-Wiedemann syndrome, 130650. The variant is not present in population database (gnomAD no frequency). In summary, the currently available evidence indicates that the variant is pathogenic, but additional data are needed to prove that conclusively. Therefore, this variant has been classified as likely pathogenic.

NM_001122630.2(CDKN1C):c.19del (p.Arg7fs)

Gene: CDKN1C (cyclin dependent kinase inhibitor 1C; minus strand). Cytogenetic location: 11p15.4.
Variant type: Deletion.
Coding change: c.19del on transcript NM_001122630.2 (MANE Select); coding-DNA position 19, one base deleted (C; older notation c.19delC).
Protein change: p.Arg7fs; shifts the reading frame from arginine 7.
Molecular consequence: frameshift variant.
Genome position (GRCh38, 1-based): chr11:2,885,438, G deleted on the plus strand (C on the coding strand, the reverse complement: CDKN1C is on the minus strand); the first of 3 consecutive G bases (chr11:2,885,438-2,885,440); deleting any one gives the same sequence. VCF-style (leftmost placement, unchanged base first): chr11-2885437-CG-C. GRCh37 (hg19) VCF-style: chr11-2906667-CG-C.
Other names: c.52del, p.Arg18fs (NM_000076.2, NM_001362474.2); c.19del, p.Arg7fs (NM_001122631.2, NM_001362475.2); short protein forms R18fs, R7fs.
Identifiers: ClinVar variation 3062304 (VCV003062304.1), dbSNP rs2494391145, ClinGen allele CA2612014435.